The following is an entry in ClinVar:

ClinVar aggregate classification (germline): Conflicting classifications of pathogenicity. Review status: criteria provided, conflicting classifications (1 of 4 stars). 2 submissions from 2 submitters: Uncertain significance (1); Likely benign (1). Last evaluated 2024-10-17.

Conditions:
Progressive myoclonic epilepsy type 7. Identifiers: Orphanet 435438, MedGen C4015420, MONDO:0014521, OMIM 616187.

gnomAD v4.1: 5 of 1,605,214 alleles (0.00031%); highest among the groups gnomAD compares: Non-Finnish European, 0.00042%; no homozygotes.

Submissions (2):

Blueprint Genetics
Classification: Likely benign. Last evaluated: 2024-10-17. Review status: criteria provided, single submitter. Criteria: ACMG Guidelines, 2015. Collection method: clinical testing. Allele origin: germline.

Labcorp Genetics (formerly Invitae), Labcorp
Classification: Uncertain significance for Progressive myoclonic epilepsy type 7. Last evaluated: 2022-07-12. Review status: criteria provided, single submitter. Criteria: Invitae Variant Classification Sherloc (09022015). Collection method: clinical testing. Allele origin: germline.
Comment: In summary, the available evidence is currently insufficient to determine the role of this variant in disease. Therefore, it has been classified as a Variant of Uncertain Significance. Advanced modeling of protein sequence and biophysical properties (such as structural, functional, and spatial information, amino acid conservation, physicochemical variation, residue mobility, and thermodynamic stability) performed at Invitae indicates that this missense variant is not expected to disrupt KCNC1 protein function. ClinVar contains an entry for this variant (Variation ID: 852716). This variant has not been reported in the literature in individuals affected with KCNC1-related conditions. This variant is not present in population databases (gnomAD no frequency). This sequence change replaces aspartic acid, which is acidic and polar, with glutamic acid, which is acidic and polar, at codon 147 of the KCNC1 protein (p.Asp147Glu).

NM_001112741.2(KCNC1):c.441C>G (p.Asp147Glu)

Gene: KCNC1 (potassium voltage-gated channel subfamily C member 1; plus strand). Cytogenetic location: 11p15.1.
Variant type: single nucleotide variant.
Coding change: c.441C>G on transcript NM_001112741.2 (MANE Select); coding-DNA position 441, C replaced by G.
Protein change: p.Asp147Glu; replaces aspartic acid 147 with glutamic acid.
Molecular consequence: missense variant.
Genome position (GRCh38, 1-based): chr11:17,736,443, C>G. VCF-style: chr11-17736443-C-G. GRCh37 (hg19) VCF-style: chr11-17757990-C-G.
Other names: c.441C>G, p.Asp147Glu (NM_004976.4); short protein forms D147E.
Identifiers: ClinVar variation 852716 (VCV000852716.11), dbSNP rs1279299321, ClinGen allele CA379801466.
Genomic context (GRCh38, chr11:17,736,443, plus strand): 5'-GGACAACAGCGCCGACGACGCGGACGCCGACGGCCCTGGCGACTCGGGCGACGGCGAGGA[C>G]GAGCTGGAGATGACCAAGCGCCTGGCGCTCAGTGACTCCCCGGATGGCCGGCCTGGCGGC-3'
Protein context (NP_001106212.1, residues 137-157): DGPGDSGDGE[Asp147Glu]ELEMTKRLAL